The following is an entry in ClinVar:

ClinVar aggregate classification (germline): Uncertain significance (1 of 4 stars; one submission).

Conditions:
Hereditary cancer-predisposing syndrome. Also called: Hereditary Cancer Syndrome; Hereditary neoplastic syndrome; Tumor predisposition; Neoplastic Syndromes, Hereditary. Identifiers: Orphanet 140162, MedGen C0027672, MeSH D009386, MONDO:0015356.

Submission:

Ambry Genetics
Classification: Uncertain significance for Hereditary cancer-predisposing syndrome. Last evaluated: 2022-03-04. Review status: criteria provided, single submitter. Criteria: Ambry Variant Classification Scheme 2023. Collection method: clinical testing. Allele origin: germline.
Comment: The p.Q78P variant (also known as c.233A>C), located in coding exon 1 of the GREM1 gene, results from an A to C substitution at nucleotide position 233. The glutamine at codon 78 is replaced by proline, an amino acid with similar properties. This amino acid position is conserved. In addition, this alteration is predicted to be tolerated by in silico analysis. Since supporting evidence is limited at this time, the clinical significance of this alteration remains unclear.

NM_013372.7(GREM1):c.233A>C (p.Gln78Pro)

Gene: GREM1 (gremlin 1, DAN family BMP antagonist; plus strand). Cytogenetic location: 15q13.3.
Variant type: single nucleotide variant.
Coding change: c.233A>C on transcript NM_013372.7 (MANE Select); coding-DNA position 233, A replaced by C.
Protein change: p.Gln78Pro; replaces glutamine 78 with proline.
Molecular consequence: missense variant. On other transcripts: intron variant (2).
Genome position (GRCh38, 1-based): chr15:32,730,923, A>C. VCF-style: chr15-32730923-A-C. GRCh37 (hg19) VCF-style: chr15-33023124-A-C.
Other names: c.233A>C, p.Gln78Pro (NM_001368719.1); c.115-5A>C (NM_001191323.2); c.28-5A>C (NM_001191322.2); short protein forms Q78P.
Identifiers: ClinVar variation 1789824 (VCV001789824.2), dbSNP rs2548707667, ClinGen allele CA391557472.
Genomic context (GRCh38, chr15:32,730,923, plus strand): 5'-GGGGGCGGGGCCAAGGGCGGGGCACTGCCATGCCCGGGGAGGAGGTGCTGGAGTCCAGCC[A>C]AGAGGCCCTGCATGTGACGGAGCGCAAATACCTGAAGCGAGACTGGTGCAAAACCCAGCC-3'
Protein context (NP_037504.1, residues 68-88): MPGEEVLESS[Gln78Pro]EALHVTERKY